The following is an entry in ClinVar:

NM_000283.4(PDE6B):c.1780G>A (p.Gly594Ser)

Gene: PDE6B (phosphodiesterase 6B; plus strand). Cytogenetic location: 4p16.3.
Variant type: single nucleotide variant.
Coding change: c.1780G>A on transcript NM_000283.4 (MANE Select); coding-DNA position 1780, G replaced by A.
Protein change: p.Gly594Ser; replaces glycine 594 with serine.
Molecular consequence: missense variant.
Genome position (GRCh38, 1-based): chr4:662,566, G>A. VCF-style: chr4-662566-G-A. GRCh37 (hg19) VCF-style: chr4-656355-G-A.
Other names: c.1780G>A, p.Gly594Ser (NM_001145291.2); c.943G>A, p.Gly315Ser (NM_001145292.2, NM_001350154.3, NM_001379246.1 and 1 more transcripts); c.625G>A, p.Gly209Ser (NM_001350155.3); c.1780G>A (NM_000283.3); short protein forms G315S, G594S, G209S.
Identifiers: ClinVar variation 1429387 (VCV001429387.10), dbSNP rs536681553, ClinGen allele CA2794679.

ClinVar aggregate classification (germline): Uncertain significance. Review status: criteria provided, multiple submitters, no conflicts (2 of 4 stars). 3 submissions from 3 submitters: Uncertain significance (3). Last evaluated 2025-09-21.

Conditions:
Inborn genetic diseases. Identifiers: MedGen C0950123, MeSH D030342.

Allele frequency attached by ClinVar (database versions not stated): gnomAD 0.00001 and 0.00005; TOPMed 0.00003; gnomAD exomes 0.00005 and 0.00012; ExAC 0.00012; 1000 Genomes Project 30x 0.00031; 1000 Genomes Project 0.00040.
gnomAD v4.1: 89 of 1,613,070 alleles (0.0055%); highest among the groups gnomAD compares: South Asian, 0.06%; 2 homozygotes.

Submissions (3):

Labcorp Genetics (formerly Invitae), Labcorp
Classification: Uncertain significance. Last evaluated: 2025-09-21. Review status: criteria provided, single submitter. Criteria: Invitae Variant Classification Sherloc (09022015). Collection method: clinical testing. Allele origin: germline.
Comment: This sequence change replaces glycine, which is neutral and non-polar, with serine, which is neutral and polar, at codon 594 of the PDE6B protein (p.Gly594Ser). This variant is present in population databases (rs536681553, gnomAD 0.05%). This variant has not been reported in the literature in individuals affected with PDE6B-related conditions. ClinVar contains an entry for this variant (Variation ID: 1429387). Invitae Evidence Modeling of protein sequence and biophysical properties (such as structural, functional, and spatial information, amino acid conservation, physicochemical variation, residue mobility, and thermodynamic stability) indicates that this missense variant is not expected to disrupt PDE6B protein function with a negative predictive value of 95%. In summary, the available evidence is currently insufficient to determine the role of this variant in disease. Therefore, it has been classified as a Variant of Uncertain Significance.

Ambry Genetics
Classification: Uncertain significance for Inborn genetic diseases. Last evaluated: 2024-04-01. Review status: criteria provided, single submitter. Criteria: Ambry Variant Classification Scheme 2023. Collection method: clinical testing. Allele origin: germline.

Blueprint Genetics
Classification: Uncertain significance. Last evaluated: 2023-02-09. Review status: criteria provided, single submitter. Criteria: ACMG Guidelines, 2015. Collection method: clinical testing. Allele origin: germline.